The following is an entry in ClinVar:

NM_000719.7(CACNA1C):c.5445-585G>A

Genes: CACNA1C (calcium voltage-gated channel subunit alpha1 C; plus strand), CACNA1C-AS1 (CACNA1C antisense RNA 1; minus strand). Cytogenetic location: 12p13.33.
Variant type: single nucleotide variant.
Coding change: c.5445-585G>A on transcript NM_000719.7 (MANE Select); 585 bases into the intron before coding-DNA position 5445, G replaced by A.
Molecular consequence: intron variant. On other transcripts: synonymous variant (3).
Genome position (GRCh38, 1-based): chr12:2,681,965, G>A. VCF-style: chr12-2681965-G-A. GRCh37 (hg19) VCF-style: chr12-2791131-G-A.
Other names: c.5460G>A, p.Pro1820= (NM_001129830.3, NM_001167624.3); c.5604G>A, p.Pro1868= (NM_199460.4); c.5445-585G>A (NM_001167623.2, NM_001129840.2, NM_001129842.2 and 2 more transcripts); c.5625-585G>A (NM_001167625.2); c.5589-585G>A (NM_001129827.2); c.5505-585G>A (NM_001129832.2); c.5529-585G>A (NM_001129831.2); c.5502-585G>A (NM_001129833.2, NM_001129834.2, NM_001129835.2); and 7 more.
Identifiers: ClinVar variation 1217773 (VCV001217773.5), dbSNP rs113722042, ClinGen allele CA6389837.

ClinVar aggregate classification (germline): Likely benign. Review status: criteria provided, single submitter (1 of 4 stars). 2 submissions from 2 submitters: Likely benign (1). 1 of the submissions does not count toward it. Last evaluated 2018-08-02.

Conditions:
CACNA1C-related disorder. Also called: CACNA1C-related condition; CACNA1C-related disorders. Identifiers: MedGen CN381092, MONDO:0700321.

Allele frequency attached by ClinVar (database versions not stated): gnomAD exomes 0.00071; 1000 Genomes Project 30x 0.00312; 1000 Genomes Project 0.00319.
gnomAD v4.1: 1,136 of 1,605,130 alleles (0.071%); highest among the groups gnomAD compares: East Asian, 2.4%; 18 homozygotes.

Submissions (2):

GeneDx
Classification: Likely benign. Last evaluated: 2018-08-02. Review status: criteria provided, single submitter. Criteria: GeneDx Variant Classification Process June 2021. Collection method: clinical testing. Allele origin: germline. Affected: yes.

PreventionGenetics, part of Exact Sciences
Classification: Benign for CACNA1C-related condition. Last evaluated: 2019-10-28. Review status: no assertion criteria provided. Collection method: clinical testing. Allele origin: germline. Not counted in ClinVar's aggregate classification.
Comment: This variant is classified as benign based on ACMG/AMP sequence variant interpretation guidelines (Richards et al. 2015 PMID: 25741868, with internal and published modifications).